The following is an entry in ClinVar:

ClinVar aggregate classification (germline): Uncertain significance (1 of 4 stars; one submission).

Conditions:
Epidermolysis bullosa simplex with nail dystrophy (EBS5D). Identifiers: MedGen C4225309, MONDO:0014661, OMIM 616487.
Epidermolysis bullosa simplex 5B, with muscular dystrophy (EBS5B). Also called: EPIDERMOLYSIS BULLOSA SIMPLEX AND LIMB-GIRDLE MUSCULAR DYSTROPHY; Epidermolysis bullosa simplex with muscular dystrophy. Identifiers: Orphanet 257, MedGen C2931072, MONDO:0009181, OMIM 226670.
Epidermolysis bullosa simplex 5C, with pyloric atresia (EBS5C). Also called: PLEC-Related Epidermolysis Bullosa with Pyloric Atresia; Epidermolysis bullosa simplex with pyloric atresia; PLEC1-Related Epidermolysis Bullosa with Pyloric Atresia. Identifiers: Orphanet 158684, MedGen C2677349, MONDO:0012807, OMIM 612138.
Autosomal recessive limb-girdle muscular dystrophy type 2Q (LGMDR17). Also called: MUSCULAR DYSTROPHY, LIMB-GIRDLE, AUTOSOMAL RECESSIVE 17. Identifiers: Orphanet 254361, MedGen C3150989, MONDO:0013390, OMIM 613723.
Epidermolysis bullosa simplex, Ogna type (EBS5A). Also called: Pidermolysis bullosa simplex 5A, Ogna type; EPIDERMOLYSIS BULLOSA SIMPLEX 5A, OGNA TYPE. Identifiers: Orphanet 79401, MedGen C0432317, MONDO:0007555, OMIM 131950.

gnomAD v4.1: 6 of 1,595,604 alleles (0.00038%); highest among the groups gnomAD compares: Non-Finnish European, 0.00051%; no homozygotes.

Submission:

Labcorp Genetics (formerly Invitae), Labcorp
Classification: Uncertain significance for Autosomal recessive limb-girdle muscular dystrophy type 2Q; Epidermolysis bullosa simplex, Ogna type; Epidermolysis bullosa simplex with nail dystrophy; Epidermolysis bullosa simplex 5C, with pyloric atresia; Epidermolysis bullosa simplex 5B, with muscular dystrophy. Last evaluated: 2025-11-03. Review status: criteria provided, single submitter. Criteria: Invitae Variant Classification Sherloc (09022015). Collection method: clinical testing. Allele origin: germline.
Comment: This sequence change replaces arginine, which is basic and polar, with leucine, which is neutral and non-polar, at codon 1091 of the PLEC protein (p.Arg1091Leu). This variant is not present in population databases (gnomAD no frequency). This variant has not been reported in the literature in individuals affected with PLEC-related conditions. ClinVar contains an entry for this variant (Variation ID: 2929016). Invitae Evidence Modeling of protein sequence and biophysical properties (such as structural, functional, and spatial information, amino acid conservation, physicochemical variation, residue mobility, and thermodynamic stability) has been performed for this missense variant. However, the output from this modeling did not meet the statistical confidence thresholds required to predict the impact of this variant on PLEC protein function. In summary, the available evidence is currently insufficient to determine the role of this variant in disease. Therefore, it has been classified as a Variant of Uncertain Significance.

NM_201384.3(PLEC):c.3191G>T (p.Arg1064Leu)

Gene: PLEC (plectin; minus strand). Cytogenetic location: 8q24.3.
Variant type: single nucleotide variant.
Coding change: c.3191G>T on transcript NM_201384.3 (MANE Select); coding-DNA position 3191, G replaced by T.
Protein change: p.Arg1064Leu; replaces arginine 1064 with leucine.
Molecular consequence: missense variant.
Genome position (GRCh38, 1-based): chr8:143,929,172, C>A on the plus strand (G>T on the coding strand, the complement: PLEC is on the minus strand). VCF-style: chr8-143929172-C-A. GRCh37 (hg19) VCF-style: chr8-145003340-C-A.
Other names: c.3272G>T, p.Arg1091Leu (NM_000445.5, NM_001410941.1); c.3149G>T, p.Arg1050Leu (NM_201378.4); c.3125G>T, p.Arg1042Leu (NM_201379.3); c.3602G>T, p.Arg1201Leu (NM_201380.4); c.3095G>T, p.Arg1032Leu (NM_201381.3); c.3191G>T, p.Arg1064Leu (NM_201382.4); c.3203G>T, p.Arg1068Leu (NM_201383.3); short protein forms R1050L, R1064L, R1201L, R1042L, R1068L, R1032L, R1091L.
Identifiers: ClinVar variation 2929016 (VCV002929016.3), dbSNP rs571362398, ClinGen allele CA372568722.